The following is an entry in ClinVar:

ClinVar aggregate classification (germline): Pathogenic. Review status: criteria provided, single submitter (1 of 4 stars). 2 submissions from 2 submitters: Pathogenic (1). 1 of the submissions does not count toward it. Last evaluated 2024-09-18.

Conditions:
CDKL5 disorder. Identifiers: MedGen CN296942, MONDO:0100039.
Atypical Rett syndrome. Also called: Variant Rett Syndrome; Rett like syndrome. Identifiers: Orphanet 3095, MedGen C2748910, MONDO:0017746.

Submissions (2):

Centre for Population Genomics, CPG
Classification: Pathogenic for CDKL5 disorder. Last evaluated: 2024-09-18. Review status: criteria provided, single submitter. Criteria: McKnight et al. (Hum Mutat. 2022). Collection method: curation. Allele origin: germline. Inheritance: X-linked inheritance.
Comment: This variant has been collected from RettBASE and curated to current modified ACMG/AMP criteria. Based on the classification scheme defined by the ClinGen Rett/Angelman-like Expert Panel for Rett/AS-like Disorders Specifications to the ACMG/AMP Variant Interpretation Guidelines VCEP 3.0, this variant is classified as pathogenic. At least the following criteria are met: Predicted to result in loss of function, and LOF is a known mechanism of disease (PVS1). This variant has been identified as a de novo occurrence in an individual with CDKL5 disorder without confirmation of paternity and maternity (PM6). PMID: 18790821 This variant is absent from gnomAD v4 (PM2_Supporting).

RettBASE
Classification: Pathogenic for Atypical Rett syndrome. Last evaluated: 2014-03-13. Review status: no assertion criteria provided. Collection method: curation. Allele origin: de novo. Affected: yes. Observed: 1 variant allele. Not counted in ClinVar's aggregate classification.
Comment: Bahi-Buisson et al 2008 suggested transcript unstable

Literature cited by the submitters: PubMed 18790821 (cited by RettBASE).

NM_001323289.2(CDKL5):c.1892_1893dup (p.Gly632Ter)

Gene: CDKL5 (cyclin dependent kinase like 5; plus strand). Cytogenetic location: Xp22.13.
Variant type: Duplication.
Coding change: c.1892_1893dup on transcript NM_001323289.2 (MANE Select); coding-DNA positions 1892 to 1893, 2 bases duplicated (TA; older notation c.1892_1893dupTA).
Protein change: p.Gly632Ter; replaces glycine 632 with a stop codon.
Molecular consequence: nonsense.
Genome position (GRCh38, 1-based): chrX:18,604,816-18,604,817, TA duplicated; duplicating any 2 consecutive bases within chrX:18,604,815-18,604,817 gives the same sequence; the c. name uses the placement nearest the transcript's 3' end. VCF-style (leftmost placement, unchanged base first): chrX-18604814-C-CAT. GRCh37 (hg19) VCF-style: chrX-18622934-C-CAT.
Other names: NM_001323289.2(CDKL5):c.1892_1893dup; p.Gly632Ter; c.1892_1893dup, p.Gly632Ter (NM_001037343.2, NM_003159.3); c.1892_1893dupTA (NM_003159.2); short protein forms G632*.
Identifiers: ClinVar variation 143787 (VCV000143787.4), dbSNP rs267608646, ClinGen allele CA170459.
Genomic context (GRCh38, chrX:18,604,814, plus strand): 5'-GCATTCTATGTATGTGACCCGTGACAAAGTGAGAGCCAAGGGCTTGGATGGAAGCTTGAG[C>CAT]ATAGGGCAAGGGATGGCAGCTAGAGCCAACAGCCTGCAACTCTTGTCACCCCAGGTACAG-3'